The following is an entry in ClinVar:

NM_005359.6(SMAD4):c.516G>A (p.Leu172=)

Gene: SMAD4 (SMAD family member 4; plus strand). Cytogenetic location: 18q21.2.
Variant type: single nucleotide variant.
Coding change: c.516G>A on transcript NM_005359.6 (MANE Select); coding-DNA position 516, G replaced by A.
Protein change: p.Leu172=; no amino-acid change (leucine 172 retained).
Molecular consequence: synonymous variant.
Genome position (GRCh38, 1-based): chr18:51,054,842, G>A. VCF-style: chr18-51054842-G-A. GRCh37 (hg19) VCF-style: chr18-48581212-G-A.
Identifiers: ClinVar variation 484800 (VCV000484800.14), dbSNP rs1392368498, ClinGen allele CA503873697.
Genomic context (GRCh38, chr18:51,054,842, plus strand): 5'-TCCATCAAGTATGATGGTGAAGGATGAATATGTGCATGACTTTGAGGGACAGCCATCGTT[G>A]TCCACTGAAGGACATTCAATTCAAACCATCCAGCATCCACCAAGTAATCGTGCATCGACA-3'
Protein context (NP_005350.1, residues 162-182): YVHDFEGQPS[Leu172=]STEGHSIQTI

ClinVar aggregate classification (germline): Benign/Likely benign. Review status: criteria provided, multiple submitters, no conflicts (2 of 4 stars). 3 submissions from 3 submitters: Benign (1); Likely benign (2). Last evaluated 2025-05-30.

Conditions:
Juvenile polyposis syndrome (JPS). Identifiers: Orphanet 2929, MedGen C0345893, MONDO:0017380, OMIM 174900.
Hereditary cancer-predisposing syndrome. Also called: Hereditary neoplastic syndrome; Tumor predisposition; Neoplastic Syndromes, Hereditary; Hereditary Cancer Syndrome. Identifiers: Orphanet 140162, MedGen C0027672, MeSH D009386, MONDO:0015356.
Familial thoracic aortic aneurysm and aortic dissection (TAAD). Also called: Thoracic aortic aneurysms and dissections. Identifiers: Orphanet 91387, MedGen C4707243, MONDO:0019625.
Juvenile polyposis/hereditary hemorrhagic telangiectasia syndrome (JPHT). Also called: Juvenile Polyposis Syndrome / Hereditary Hemorrhagic Telangiectasia (JPS/HHT); JP/HHT SYNDROME; JUVENILE POLYPOSIS WITH HEREDITARY HEMORRHAGIC TELANGIECTASIA; POLYPOSIS, GENERALIZED JUVENILE, WITH PULMONARY ARTERIOVENOUS MALFORMATION; TELANGIECTASIA, HEREDITARY HEMORRHAGIC, WITH JUVENILE POLYPOSIS COLI. Identifiers: Orphanet 2929, MedGen C1832942, MONDO:0008278, OMIM 175050.

Allele frequency attached by ClinVar (database versions not stated): TOPMed below 0.00001.

Submissions (3):

Labcorp Genetics (formerly Invitae), Labcorp
Classification: Likely benign for Juvenile polyposis syndrome. Last evaluated: 2025-05-30. Review status: criteria provided, single submitter. Criteria: Invitae Variant Classification Sherloc (09022015). Collection method: clinical testing. Allele origin: germline.

Myriad Genetics, Inc.
Classification: Benign for Juvenile polyposis/hereditary hemorrhagic telangiectasia syndrome. Last evaluated: 2025-03-19. Review status: criteria provided, single submitter. Criteria: Myriad Autosomal Dominant, Autosomal Recessive and X-Linked Classification Criteria (2023). Collection method: clinical testing. Allele origin: unknown.
Comment: This variant is considered benign. This variant is a silent/synonymous amino acid change and it is not expected to impact splicing.

Ambry Genetics
Classification: Likely benign for Hereditary cancer-predisposing syndrome; Familial thoracic aortic aneurysm and aortic dissection. Last evaluated: 2016-12-01. Review status: criteria provided, single submitter. Criteria: Ambry Variant Classification Scheme 2023. Collection method: clinical testing. Allele origin: germline.